The following is an entry in ClinVar:

NM_018136.5(ASPM):c.6717G>C (p.Leu2239=)

Gene: ASPM (assembly factor for spindle microtubules; minus strand). Cytogenetic location: 1q31.3.
Variant type: single nucleotide variant.
Coding change: c.6717G>C on transcript NM_018136.5 (MANE Select); coding-DNA position 6717, G replaced by C.
Protein change: p.Leu2239=; no amino-acid change (leucine 2239 retained).
Molecular consequence: synonymous variant. On other transcripts: intron variant (1).
Genome position (GRCh38, 1-based): chr1:197,102,534, C>G on the plus strand (G>C on the coding strand, the complement: ASPM is on the minus strand). VCF-style: chr1-197102534-C-G. GRCh37 (hg19) VCF-style: chr1-197071664-C-G.
Other names: c.4066-6370G>C (NM_001206846.2).
Identifiers: ClinVar variation 157856 (VCV000157856.45), dbSNP rs147100928, ClinGen allele CA271086.
Genomic context (GRCh38, chr1:197,102,534, plus strand): 5'-TAAATGTCTTCTAGCTTTCTTTCCCCTAAAAATAGCCTGAATGTATATTACAGAATGCCT[C>G]AGTTTGTTATACCTTTGAAATTGTATGTTTCTTTCTTTCATTGCCCAGTATCTTTGCTGT-3'
Protein context (NP_060606.3, residues 2229-2249): RNIQFQRYNK[Leu2239=]RHSVIYIQAI

ClinVar aggregate classification (germline): Conflicting classifications of pathogenicity. Review status: criteria provided, conflicting classifications (1 of 4 stars). 7 submissions from 7 submitters: Uncertain significance (2); Benign (1); Likely benign (4). Last evaluated 2026-05-01.

Conditions:
Microcephaly 5, primary, autosomal recessive (MCPH5). Also called: ASPM Primary Microcephaly. Identifiers: Orphanet 2512, MedGen C1837501, MONDO:0012106, OMIM 608716.

Allele frequency attached by ClinVar (database versions not stated): gnomAD exomes 0.00074; ESP Exome Variant Server 0.00085; 1000 Genomes Project 30x 0.00016; 1000 Genomes Project 0.00020; gnomAD 0.00061 and 0.00062; ExAC 0.00066; TOPMed 0.00071.
gnomAD v4.1: 1,482 of 1,612,484 alleles (0.092%); highest among the groups gnomAD compares: Non-Finnish European, 0.11%; 3 homozygotes.

Submissions (7):

CeGaT Center for Human Genetics Tuebingen
Classification: Likely benign. Last evaluated: 2026-05-01. Review status: criteria provided, single submitter. Criteria: CeGaT Center For Human Genetics Tuebingen Variant Classification Criteria Version 2. Collection method: clinical testing. Allele origin: germline. Affected: yes. Observed: 9 variant alleles.
Comment: ASPM: BP4, BP7

Labcorp Genetics (formerly Invitae), Labcorp
Classification: Likely benign. Last evaluated: 2026-01-21. Review status: criteria provided, single submitter. Criteria: Invitae Variant Classification Sherloc (09022015). Collection method: clinical testing. Allele origin: germline.

Blueprint Genetics
Classification: Likely benign. Last evaluated: 2024-11-25. Review status: criteria provided, single submitter. Criteria: ACMG Guidelines, 2015. Collection method: clinical testing. Allele origin: germline.

Athena Diagnostics
Classification: Benign. Last evaluated: 2021-04-06. Review status: criteria provided, single submitter. Criteria: Athena Diagnostics criteria. Collection method: clinical testing. Allele origin: unknown.

GeneDx
Classification: Likely benign. Last evaluated: 2021-02-10. Review status: criteria provided, single submitter. Criteria: GeneDx Variant Classification Process June 2021. Collection method: clinical testing. Allele origin: germline. Affected: yes.

Illumina Laboratory Services, Illumina
Classification: Uncertain significance for Microcephaly 5, primary, autosomal recessive. Last evaluated: 2018-01-13. Review status: criteria provided, single submitter. Criteria: ICSL Variant Classification Criteria 13 December 2019. Collection method: clinical testing. Allele origin: germline.

Genetic Services Laboratory, University of Chicago
Classification: Uncertain significance for Microcephaly 5, primary, autosomal recessive. Last evaluated: 2013-02-08. Review status: criteria provided, single submitter. Criteria: ACMG Guidelines, 2007. Collection method: clinical testing. Allele origin: germline. Inheritance: Autosomal recessive inheritance.